The following is an entry in ClinVar:

ClinVar aggregate classification (germline): Benign. Review status: criteria provided, multiple submitters, no conflicts (2 of 4 stars). 3 submissions from 3 submitters: Benign (2). 1 of the submissions does not count toward it. Last evaluated 2018-11-20.

Conditions:
LRP1B-related disorder. Also called: LRP1B-related condition.

Allele frequency attached by ClinVar (database versions not stated): gnomAD exomes 0.00147; ExAC 0.00176; gnomAD 0.00421; TOPMed 0.00572; 1000 Genomes Project 30x 0.00578; 1000 Genomes Project 0.00579; ESP Exome Variant Server 0.00607.
gnomAD v4.1: 1,505 of 1,610,094 alleles (0.093%); highest among the groups gnomAD compares: African/African-American, 1.6%; 13 homozygotes.

Submissions (3):

Labcorp Genetics (formerly Invitae), Labcorp
Classification: Benign. Last evaluated: 2018-11-20. Review status: criteria provided, single submitter. Criteria: Invitae Variant Classification Sherloc (09022015). Collection method: clinical testing. Allele origin: germline.

Breakthrough Genomics
Classification: Benign. Review status: criteria provided, single submitter. Criteria: ACMG Guidelines, 2015. Collection method: not provided. Allele origin: germline. Inheritance: Unknown mechanism. Affected: yes.

PreventionGenetics, part of Exact Sciences
Classification: Benign for LRP1B-related condition. Last evaluated: 2019-04-10. Review status: no assertion criteria provided. Collection method: clinical testing. Allele origin: germline. Not counted in ClinVar's aggregate classification.
Comment: This variant is classified as benign based on ACMG/AMP sequence variant interpretation guidelines (Richards et al. 2015 PMID: 25741868, with internal and published modifications).

NM_018557.3(LRP1B):c.2395C>A (p.Arg799=)

Gene: LRP1B (LDL receptor related protein 1B; minus strand). Cytogenetic location: 2q22.1.
Variant type: single nucleotide variant.
Coding change: c.2395C>A on transcript NM_018557.3 (MANE Select); coding-DNA position 2395, C replaced by A.
Protein change: p.Arg799=; no amino-acid change (arginine 799 retained).
Molecular consequence: synonymous variant.
Genome position (GRCh38, 1-based): chr2:141,005,443, G>T on the plus strand (C>A on the coding strand, the complement: LRP1B is on the minus strand). VCF-style: chr2-141005443-G-T. GRCh37 (hg19) VCF-style: chr2-141763012-G-T.
Identifiers: ClinVar variation 775759 (VCV000775759.6), dbSNP rs79798812, ClinGen allele CA1895764.
Genomic context (GRCh38, chr2:141,005,443, plus strand): 5'-CACACACCCGGCCTCCTGGGATAGCCAAGCAAAGTGTACTACAGCCCCCATTATTTACTC[G>T]GCACATATTGTCACCTGCAAGAGGAAGAAAGCAAATGTGTCAGAGAACTCTGATTCACGT-3'
Protein context (NP_061027.2, residues 789-809): PRKQQGDNMC[Arg799=]VNNGGCSTLC